The following is an entry in ClinVar:

ClinVar aggregate classification (germline): Uncertain significance. Review status: criteria provided, multiple submitters, no conflicts (2 of 4 stars). 2 submissions from 2 submitters: Uncertain significance (2). Last evaluated 2024-04-30.

Conditions:
Developmental delay, hypotonia, musculoskeletal defects, and behavioral abnormalities. Identifiers: MedGen C5562012, MONDO:0859202, OMIM 619595.
Floating-Harbor syndrome (FLHS). Also called: SRCAP-Related Floating-Harbor Syndrome; Short stature with delayed bone age, expressive language delay, a triangular face with a prominent nose and deep-set eyes; Pelletier-Leisti syndrome. Identifiers: Orphanet 2044, MedGen C0729582, MONDO:0007621, OMIM 136140.

Allele frequency attached by ClinVar (database versions not stated): gnomAD exomes below 0.00001; TOPMed below 0.00001; ESP Exome Variant Server 0.00008.
gnomAD v4.1: 4 of 1,609,036 alleles (0.00025%); highest among the groups gnomAD compares: Admixed American, 0.0017%; no homozygotes.

Submissions (2):

Fulgent Genetics
Classification: Uncertain significance for Floating-Harbor syndrome; Developmental delay, hypotonia, musculoskeletal defects, and behavioral abnormalities. Last evaluated: 2024-04-30. Review status: criteria provided, single submitter. Criteria: ACMG Guidelines, 2015. Collection method: clinical testing. Allele origin: germline.

Labcorp Genetics (formerly Invitae), Labcorp
Classification: Uncertain significance. Last evaluated: 2022-05-04. Review status: criteria provided, single submitter. Criteria: Invitae Variant Classification Sherloc (09022015). Collection method: clinical testing. Allele origin: germline.
Comment: This variant is not present in population databases (gnomAD no frequency). This sequence change replaces methionine, which is neutral and non-polar, with valine, which is neutral and non-polar, at codon 943 of the SRCAP protein (p.Met943Val). This variant has not been reported in the literature in individuals affected with SRCAP-related conditions. Algorithms developed to predict the effect of missense changes on protein structure and function are either unavailable or do not agree on the potential impact of this missense change (SIFT: "Deleterious"; PolyPhen-2: "Not Available"; Align-GVGD: "Class C15"). In summary, the available evidence is currently insufficient to determine the role of this variant in disease. Therefore, it has been classified as a Variant of Uncertain Significance.

NM_006662.3(SRCAP):c.2827A>G (p.Met943Val)

Gene: SRCAP (Snf2 related CREBBP activator protein; plus strand). Cytogenetic location: 16p11.2.
Variant type: single nucleotide variant.
Coding change: c.2827A>G on transcript NM_006662.3 (MANE Select); coding-DNA position 2827, A replaced by G.
Protein change: p.Met943Val; replaces methionine 943 with valine.
Molecular consequence: missense variant.
Genome position (GRCh38, 1-based): chr16:30,720,171, A>G. VCF-style: chr16-30720171-A-G. GRCh37 (hg19) VCF-style: chr16-30731492-A-G.
Other names: short protein forms M943V.
Identifiers: ClinVar variation 2120354 (VCV002120354.5), dbSNP rs370552190, ClinGen allele CA280510091.